The following is an entry in ClinVar:

NM_001267550.2(TTN):c.79415C>G (p.Pro26472Arg)

Genes: TTN (titin; minus strand), TTN-AS1 (TTN antisense RNA 1; plus strand). Cytogenetic location: 2q31.2.
Variant type: single nucleotide variant.
Coding change: c.79415C>G on transcript NM_001267550.2 (MANE Select); coding-DNA position 79415, C replaced by G.
Protein change: p.Pro26472Arg; replaces proline 26472 with arginine.
Molecular consequence: missense variant.
Genome position (GRCh38, 1-based): chr2:178,566,717, G>C on the plus strand (C>G on the coding strand, the complement: TTN is on the minus strand). VCF-style: chr2-178566717-G-C. GRCh37 (hg19) VCF-style: chr2-179431444-G-C.
Other names: c.74492C>G, p.Pro24831Arg (NM_001256850.1); c.52220C>G, p.Pro17407Arg (NM_003319.4); c.71711C>G, p.Pro23904Arg (NM_133378.4); c.52595C>G, p.Pro17532Arg (NM_133432.3); c.52796C>G, p.Pro17599Arg (NM_133437.4); short protein forms P17407R, P17532R, P17599R, P23904R, P24831R, P26472R.
Identifiers: ClinVar variation 3894916 (VCV003894916.1).

ClinVar aggregate classification (germline): Likely benign (1 of 4 stars; one submission).

Submission:

Molecular Diagnostic Laboratory for Inherited Cardiovascular Disease, Montreal Heart Institute
Classification: Likely benign. Last evaluated: 2025-04-09. Review status: criteria provided, single submitter. Criteria: ACMG Guidelines, 2015. Collection method: clinical testing. Allele origin: germline. Affected: no.
Comment: BP1